The following is an entry in ClinVar:

ClinVar aggregate classification (germline): Benign/Likely benign. Review status: criteria provided, multiple submitters, no conflicts (2 of 4 stars). 14 submissions from 13 submitters: Benign (6); Likely benign (4). 4 of the submissions do not count toward it. Last evaluated 2026-04-01.

Conditions:
GLB1-related disorder. Also called: GLB1-related disorders. Identifiers: MedGen CN377807.
GM1 gangliosidosis. Identifiers: Orphanet 354, MedGen C0085131, MONDO:0018149.
Infantile GM1 gangliosidosis. Also called: GM1-gangliosidosis, type I; Gangliosidosis, generalized GM1, infantile form; GLB1 deficiency; GM1 gangliosidosis type 1; Gangliosidosis, Generalized GM1, Type 1. Identifiers: Orphanet 354, Orphanet 79255, MedGen C0268271, MONDO:0009260, OMIM 230500.
GM1 gangliosidosis type 2. Also called: GANGLIOSIDOSIS, GENERALIZED GM1, JUVENILE TYPE; GANGLIOSIDOSIS, GENERALIZED GM1, TYPE II; GM1-GANGLIOSIDOSIS, TYPE II; Juvenile GM>1< gangliosidosis; Gangliosidosis, Generalized GM1, Type 2. Identifiers: Orphanet 354, Orphanet 79256, MedGen C0268272, MONDO:0009261, OMIM 230600.
GM1 gangliosidosis type 3. Also called: GANGLIOSIDOSIS, GENERALIZED GM1, ADULT TYPE; GANGLIOSIDOSIS, GENERALIZED GM1, CHRONIC TYPE; GANGLIOSIDOSIS, GENERALIZED GM1, TYPE III; GM1-GANGLIOSIDOSIS, TYPE III; Beta-galactosidase deficiency; Adult GM1 gangliosidosis. Identifiers: Orphanet 79257, MedGen C0268273, MONDO:0009262, OMIM 230650.
Mucopolysaccharidosis, MPS-IV-B (MPS4B). Also called: Mucopolysaccharidosis type 4B; MORQUIO SYNDROME B; Mucopolysaccharidosis type IVB (Morquio); MPS IVB; Mucopolysaccharidosis Type IVB; Mucopolysaccharidosis Type IVB (Morquio B Disease). Identifiers: Orphanet 309310, Orphanet 582, MedGen C0086652, MONDO:0009660, OMIM 253010.

Allele frequency attached by ClinVar (database versions not stated): 1000 Genomes Project 0.00479; 1000 Genomes Project 30x 0.00484; TOPMed 0.00915; gnomAD 0.00940 and 0.00952; ESP Exome Variant Server 0.01050; gnomAD exomes 0.01149; ExAC 0.01219.

Submissions (14):

CeGaT Center for Human Genetics Tuebingen
Classification: Benign. Last evaluated: 2026-04-01. Review status: criteria provided, single submitter. Criteria: CeGaT Center For Human Genetics Tuebingen Variant Classification Criteria Version 2. Collection method: clinical testing. Allele origin: germline. Affected: yes. Observed: 11 variant alleles.
Comment: GLB1: BS1, BS2

Labcorp Genetics (formerly Invitae), Labcorp
Classification: Benign for Mucopolysaccharidosis, MPS-IV-B; GM1 gangliosidosis. Last evaluated: 2026-02-04. Review status: criteria provided, single submitter. Criteria: Invitae Variant Classification Sherloc (09022015). Collection method: clinical testing. Allele origin: germline.

Blueprint Genetics
Classification: Likely benign. Last evaluated: 2024-11-26. Review status: criteria provided, single submitter. Criteria: ACMG Guidelines, 2015. Collection method: clinical testing. Allele origin: germline.

Mayo Clinic Laboratories, Mayo Clinic
Classification: Benign. Last evaluated: 2024-03-04. Review status: criteria provided, single submitter. Criteria: ACMG Guidelines, 2015. Collection method: clinical testing. Allele origin: germline. Observed: 25 variant alleles.
Comment: BS1, BS2, BP4

ARUP Laboratories, Molecular Genetics and Genomics, ARUP Laboratories
Classification: Benign. Last evaluated: 2023-09-13. Review status: criteria provided, single submitter. Criteria: ARUP Molecular Germline Variant Investigation Process 2024. Collection method: clinical testing. Allele origin: germline.

GeneDx
Classification: Benign. Last evaluated: 2019-03-29. Review status: criteria provided, single submitter. Criteria: GeneDx Variant Classification Process June 2021. Collection method: clinical testing. Allele origin: germline. Affected: yes.
Comment: This variant is associated with the following publications: (PMID: 16941474, 12644936)

Illumina Laboratory Services, Illumina
Classification: Likely benign for GM1 gangliosidosis. Last evaluated: 2017-04-27. Review status: criteria provided, single submitter. Criteria: ICSL Variant Classification Criteria 13 December 2019. Collection method: clinical testing. Allele origin: germline.
Comment: This variant was observed as part of a predisposition screen in an ostensibly healthy population. A literature search was performed for the gene, cDNA change, and amino acid change (where applicable). No publications were found based on this search. Allele frequency data from public databases allowed determination this variant is unlikely to cause disease. Therefore, this variant is classified as likely benign.

Illumina Laboratory Services, Illumina
Classification: Likely benign for Mucopolysaccharidosis, MPS-IV-B. Last evaluated: 2017-04-27. Review status: criteria provided, single submitter. Criteria: ICSL Variant Classification Criteria 13 December 2019. Collection method: clinical testing. Allele origin: germline.
Comment: the same text as in the submission from Illumina Laboratory Services, Illumina above.

Eurofins Ntd Llc (ga)
Classification: Benign. Last evaluated: 2015-10-27. Review status: criteria provided, single submitter. Criteria: EGL Classification Definitions 2015. Collection method: clinical testing. Allele origin: germline. Observed: 3 variant alleles, 3 heterozygotes.

Breakthrough Genomics
Classification: Likely benign. Review status: criteria provided, single submitter. Criteria: ACMG Guidelines, 2015. Collection method: not provided. Allele origin: germline. Inheritance: Autosomal recessive inheritance. Affected: yes.

PreventionGenetics, part of Exact Sciences
Classification: Benign for GLB1-related condition. Last evaluated: 2019-04-15. Review status: no assertion criteria provided. Collection method: clinical testing. Allele origin: germline. Not counted in ClinVar's aggregate classification.
Comment: This variant is classified as benign based on ACMG/AMP sequence variant interpretation guidelines (Richards et al. 2015 PMID: 25741868, with internal and published modifications).

Counsyl
Classification: Likely benign for Infantile GM1 gangliosidosis; GM1 gangliosidosis type 2; GM1 gangliosidosis type 3; Mucopolysaccharidosis, MPS-IV-B. Last evaluated: 2018-01-04. Review status: no assertion criteria provided. Collection method: clinical testing. Allele origin: unknown. Not counted in ClinVar's aggregate classification.

Genome Diagnostics Laboratory, University Medical Center Utrecht
Classification: Benign. Review status: no assertion criteria provided. Collection method: clinical testing. Allele origin: germline. Affected: yes. Study: VKGL Data-share Consensus. Not counted in ClinVar's aggregate classification.

Laboratory of Diagnostic Genome Analysis, Leiden University Medical Center (LUMC)
Classification: Likely benign. Review status: no assertion criteria provided. Collection method: clinical testing. Allele origin: germline. Affected: yes. Study: VKGL Data-share Consensus. Not counted in ClinVar's aggregate classification.

Literature cited by the submitters: PubMed 16941474 (cited by Counsyl); PubMed 12644936 (cited by Counsyl).

NM_000404.4(GLB1):c.1306C>T (p.Leu436Phe)

Gene: GLB1 (galactosidase beta 1; minus strand). Cytogenetic location: 3p22.3.
Variant type: single nucleotide variant.
Coding change: c.1306C>T on transcript NM_000404.4 (MANE Select); coding-DNA position 1306, C replaced by T.
Protein change: p.Leu436Phe; replaces leucine 436 with phenylalanine.
Molecular consequence: missense variant.
Genome position (GRCh38, 1-based): chr3:33,018,489, G>A on the plus strand (C>T on the coding strand, the complement: GLB1 is on the minus strand). VCF-style: chr3-33018489-G-A. GRCh37 (hg19) VCF-style: chr3-33059981-G-A.
Other names: c.1216C>T, p.Leu406Phe (NM_001079811.3); c.913C>T, p.Leu305Phe (NM_001135602.3); c.1450C>T, p.Leu484Phe (NM_001317040.2); c.1306C>T, p.Leu436Phe (NM_001393580.1); c.1306C>T (NM_000404.3); short protein forms L436F, L305F, L484F, L406F.
Identifiers: ClinVar variation 92895 (VCV000092895.46), dbSNP rs34421970, ClinGen allele CA345426.